The following is an entry in ClinVar:

ClinVar aggregate classification (germline): Likely pathogenic (1 of 4 stars; one submission).

Submission:

CeGaT Center for Human Genetics Tuebingen
Classification: Likely pathogenic. Last evaluated: 2022-11-01. Review status: criteria provided, single submitter. Criteria: CeGaT Center For Human Genetics Tuebingen Variant Classification Criteria Version 2. Collection method: clinical testing. Allele origin: germline. Affected: yes. Observed: 1 variant allele.
Comment: TCAP: PVS1:Strong, PM2

NM_003673.4(TCAP):c.410_411del (p.Thr137fs)

Gene: TCAP (titin-cap; plus strand). Cytogenetic location: 17q12.
Variant type: Microsatellite.
Coding change: c.410_411del on transcript NM_003673.4 (MANE Select); coding-DNA positions 410 to 411, 2 bases deleted (CA; older notation c.410_411delCA).
Protein change: p.Thr137fs; shifts the reading frame from threonine 137.
Molecular consequence: frameshift variant.
Genome position (GRCh38, 1-based): chr17:39,666,015-39,666,016, CA deleted; deleting any 2 consecutive bases within chr17:39,666,013-39,666,016 gives the same sequence; the c. name uses the placement nearest the transcript's 3' end. VCF-style (leftmost placement, unchanged base first): chr17-39666012-TCA-T. GRCh37 (hg19) VCF-style: chr17-37822265-TCA-T.
Other names: short protein forms T137fs.
Identifiers: ClinVar variation 2647720 (VCV002647720.24), dbSNP rs2543740092, ClinGen allele CA2576253852.